The following is an entry in ClinVar:

ClinVar aggregate classification (germline): Uncertain significance. Review status: criteria provided, multiple submitters, no conflicts (2 of 4 stars). 5 submissions from 5 submitters: Uncertain significance (4). 1 of the submissions does not count toward it. Last evaluated 2025-07-07.

Conditions:
Retinal dystrophy. Also called: Inherited retinal dystrophy. Identifiers: Orphanet 71862, MedGen C0854723, MeSH D058499, MONDO:0019118, HP:0000556.
Inborn genetic diseases. Identifiers: MedGen C0950123, MeSH D030342.
IFT172-related disorder. Also called: IFT172-related disorders; IFT172-related condition.
Retinitis pigmentosa 71 (RP71). Identifiers: Orphanet 791, MedGen C4225342, MONDO:0014618, OMIM 616394.
Short-rib thoracic dysplasia 10 with or without polydactyly (SRTD10). Identifiers: Orphanet 474, MedGen C3810175, MONDO:0014284, OMIM 615630.

Allele frequency attached by ClinVar (database versions not stated): gnomAD exomes 0.00001; TOPMed 0.00001; ExAC 0.00003; gnomAD 0.00003 and 0.00004; ESP Exome Variant Server 0.00008.
gnomAD v4.1: 26 of 1,613,468 alleles (0.0016%); highest among the groups gnomAD compares: African/African-American, 0.0053%; no homozygotes.

Submissions (5):

Labcorp Genetics (formerly Invitae), Labcorp
Classification: Uncertain significance for Retinitis pigmentosa 71; Short-rib thoracic dysplasia 10 with or without polydactyly. Last evaluated: 2025-07-07. Review status: criteria provided, single submitter. Criteria: Invitae Variant Classification Sherloc (09022015). Collection method: clinical testing. Allele origin: germline.
Comment: This sequence change replaces arginine, which is basic and polar, with histidine, which is basic and polar, at codon 1189 of the IFT172 protein (p.Arg1189His). This variant is present in population databases (rs367806691, gnomAD 0.01%). This variant has not been reported in the literature in individuals affected with IFT172-related conditions. ClinVar contains an entry for this variant (Variation ID: 961818). Invitae Evidence Modeling of protein sequence and biophysical properties (such as structural, functional, and spatial information, amino acid conservation, physicochemical variation, residue mobility, and thermodynamic stability) has been performed for this missense variant. However, the output from this modeling did not meet the statistical confidence thresholds required to predict the impact of this variant on IFT172 protein function. In summary, the available evidence is currently insufficient to determine the role of this variant in disease. Therefore, it has been classified as a Variant of Uncertain Significance.

Ambry Genetics
Classification: Uncertain significance for Inborn genetic diseases. Last evaluated: 2024-01-16. Review status: criteria provided, single submitter. Criteria: Ambry Variant Classification Scheme 2023. Collection method: clinical testing. Allele origin: germline.

Dept Of Ophthalmology, Nagoya University
Classification: Uncertain significance for Retinal dystrophy. Last evaluated: 2023-10-01. Review status: criteria provided, single submitter. Criteria: Submitter's publication. Collection method: research. Allele origin: germline. Affected: yes.

Blueprint Genetics
Classification: Uncertain significance. Last evaluated: 2018-09-06. Review status: criteria provided, single submitter. Criteria: ACMG Guidelines, 2015. Collection method: clinical testing. Allele origin: germline.

PreventionGenetics, part of Exact Sciences
Classification: Uncertain significance for IFT172-related condition. Last evaluated: 2024-07-11. Review status: no assertion criteria provided. Collection method: clinical testing. Allele origin: germline. Not counted in ClinVar's aggregate classification.
Comment: The IFT172 c.3566G>A variant is predicted to result in the amino acid substitution p.Arg1189His. To our knowledge, this variant has not been reported in the literature. This variant is reported in 0.012% of alleles in individuals of African descent in gnomAD. At this time, the clinical significance of this variant is uncertain due to the absence of conclusive functional and genetic evidence.

NM_015662.3(IFT172):c.3566G>A (p.Arg1189His)

Genes: IFT172 (intraflagellar transport 172; minus strand), LOC126806173 (BRD4-independent group 4 enhancer GRCh37_chr2:27676057-27677256; plus strand). Cytogenetic location: 2p23.3.
Variant type: single nucleotide variant.
Coding change: c.3566G>A on transcript NM_015662.3 (MANE Select); coding-DNA position 3566, G replaced by A.
Protein change: p.Arg1189His; replaces arginine 1189 with histidine.
Molecular consequence: missense variant.
Genome position (GRCh38, 1-based): chr2:27,454,127, C>T on the plus strand (G>A on the coding strand, the complement: IFT172 is on the minus strand). VCF-style: chr2-27454127-C-T. GRCh37 (hg19) VCF-style: chr2-27676994-C-T.
Other names: c.3566G>A (NM_015662.1); short protein forms R1189H.
Identifiers: ClinVar variation 961818 (VCV000961818.14), dbSNP rs367806691, ClinGen allele CA1579933.
Genomic context (GRCh38, chr2:27,454,127, plus strand): 5'-CCCCGGGCCTGTCCCACAAGCACCTCGGCGACACTGTCAGGGTCGTGAGCCTCAGCCACA[C>T]GCTGAGCTGCCTCCCAATCCTGGTTATGGACAAACCTGCCTCCAGGTGGGGACAGAGGAG-3'
Protein context (NP_056477.1, residues 1179-1199): VHNQDWEAAQ[Arg1189His]VAEAHDPDSV